The following is an entry in ClinVar:

NM_000143.4(FH):c.775A>C (p.Met259Leu)

Gene: FH (fumarate hydratase; minus strand). Cytogenetic location: 1q43.
Variant type: single nucleotide variant.
Coding change: c.775A>C on transcript NM_000143.4 (MANE Select); coding-DNA position 775, A replaced by C.
Protein change: p.Met259Leu; replaces methionine 259 with leucine.
Molecular consequence: missense variant.
Genome position (GRCh38, 1-based): chr1:241,506,132, T>G on the plus strand (A>C on the coding strand, the complement: FH is on the minus strand). VCF-style: chr1-241506132-T-G. GRCh37 (hg19) VCF-style: chr1-241669432-T-G.
Other names: short protein forms M259L.
Identifiers: ClinVar variation 1469512 (VCV001469512.6), dbSNP rs1343775223, ClinGen allele CA345439049.
Genomic context (GRCh38, chr1:241,506,132, plus strand): 5'-CAGCAGTGCCTCCAGCTGCGAGCTCATAGATTCTTGGCATGGCAGCTTTTATTCTTGTCA[T>G]TGCATATTTTACTTGTTGAACATAACCACTAAATTCCTGAAAAGAAAAGAAAATTAAGGT-3'
Protein context (NP_000134.2, residues 249-269): SGYVQQVKYA[Met259Leu]TRIKAAMPRI

ClinVar aggregate classification (germline): Uncertain significance (1 of 4 stars; one submission).

Submission:

Labcorp Genetics (formerly Invitae), Labcorp
Classification: Uncertain significance. Last evaluated: 2021-08-02. Review status: criteria provided, single submitter. Criteria: Invitae Variant Classification Sherloc (09022015). Collection method: clinical testing. Allele origin: germline.
Comment: In summary, the available evidence is currently insufficient to determine the role of this variant in disease. Therefore, it has been classified as a Variant of Uncertain Significance. Advanced modeling of protein sequence and biophysical properties (such as structural, functional, and spatial information, amino acid conservation, physicochemical variation, residue mobility, and thermodynamic stability) performed at Invitae indicates that this missense variant is not expected to disrupt FH protein function. This variant has not been reported in the literature in individuals affected with FH-related conditions. This variant is not present in population databases (ExAC no frequency). This sequence change replaces methionine with leucine at codon 259 of the FH protein (p.Met259Leu). The methionine residue is weakly conserved and there is a small physicochemical difference between methionine and leucine.